The following is an entry in ClinVar:

ClinVar aggregate classification (germline): Uncertain significance. Review status: criteria provided, multiple submitters, no conflicts (2 of 4 stars). 3 submissions from 3 submitters: Uncertain significance (3). Last evaluated 2025-04-22.

Conditions:
Inborn genetic diseases. Identifiers: MedGen C0950123, MeSH D030342.
DDX41-related hematologic malignancy predisposition syndrome. Also called: Myeloproliferative/lymphoproliferative neoplasms, familial (multiple types), susceptibility to; DDX41-Associated Familial Myelodysplastic Syndrome and Acute Myeloid Leukemia. Identifiers: Orphanet 488647, MedGen C4225174, MONDO:0014809, OMIM 616871.

Allele frequency attached by ClinVar (database versions not stated): gnomAD 0.00001; TOPMed 0.00001.
gnomAD v4.1: 7 of 1,613,852 alleles (0.00043%); highest among the groups gnomAD compares: East Asian, 0.0022%; no homozygotes.

Submissions (3):

Ambry Genetics
Classification: Uncertain significance for Inborn genetic diseases. Last evaluated: 2025-04-22. Review status: criteria provided, single submitter. Criteria: Ambry Variant Classification Scheme 2023. Collection method: clinical testing. Allele origin: germline.
Comment: The p.I437V variant (also known as c.1309A>G), located in coding exon 13 of the DDX41 gene, results from an A to G substitution at nucleotide position 1309. The isoleucine at codon 437 is replaced by valine, an amino acid with highly similar properties. This amino acid position is well conserved in available vertebrate species. In addition, the in silico prediction for this alteration is inconclusive. Based on the available evidence, the clinical significance of this variant remains unclear.

GeneDx
Classification: Uncertain significance. Last evaluated: 2023-11-29. Review status: criteria provided, single submitter. Criteria: GeneDx Variant Classification Process June 2021. Collection method: clinical testing. Allele origin: germline. Affected: yes.
Comment: Not observed at significant frequency in large population cohorts (gnomAD); In silico analysis supports that this missense variant does not alter protein structure/function; Has not been previously published as pathogenic or benign to our knowledge; This variant is associated with the following publications: (PMID: 27721487)

Baylor Genetics
Classification: Uncertain significance for DDX41-related hematologic malignancy predisposition syndrome. Last evaluated: 2023-06-01. Review status: criteria provided, single submitter. Criteria: ACMG Guidelines, 2015. Collection method: clinical testing. Allele origin: unknown.

NM_016222.4(DDX41):c.1309A>G (p.Ile437Val)

Gene: DDX41 (DEAD-box helicase 41; minus strand). Cytogenetic location: 5q35.3.
Variant type: single nucleotide variant.
Coding change: c.1309A>G on transcript NM_016222.4 (MANE Select); coding-DNA position 1309, A replaced by G.
Protein change: p.Ile437Val; replaces isoleucine 437 with valine.
Molecular consequence: missense variant.
Genome position (GRCh38, 1-based): chr5:177,512,870, T>C on the plus strand (A>G on the coding strand, the complement: DDX41 is on the minus strand). VCF-style: chr5-177512870-T-C. GRCh37 (hg19) VCF-style: chr5-176939871-T-C.
Other names: c.1309A>G (NM_016222.2); c.931A>G, p.Ile311Val (NM_001321732.2, NM_001321830.2); short protein forms I311V, I437V.
Identifiers: ClinVar variation 2674785 (VCV002674785.3), dbSNP rs1761039131, ClinGen allele CA362373387.